The following is an entry in ClinVar:

NM_018100.4(EFHC1):c.199A>G (p.Ser67Gly)

Gene: EFHC1 (EF-hand domain containing 1; plus strand). Cytogenetic location: 6p12.2.
Variant type: single nucleotide variant.
Coding change: c.199A>G on transcript NM_018100.4 (MANE Select); coding-DNA position 199, A replaced by G.
Protein change: p.Ser67Gly; replaces serine 67 with glycine.
Molecular consequence: missense variant. On other transcripts: non-coding transcript variant (1).
Genome position (GRCh38, 1-based): chr6:52,424,081, A>G. VCF-style: chr6-52424081-A-G. GRCh37 (hg19) VCF-style: chr6-52288879-A-G.
Other names: c.142A>G, p.Ser48Gly (NM_001172420.2); short protein forms S67G, S48G.
Identifiers: ClinVar variation 641875 (VCV000641875.10), dbSNP rs766220714, ClinGen allele CA3855692.
Genomic context (GRCh38, chr6:52,424,081, plus strand): 5'-ATAGGCGGAGACCGGCTCCAGTTCAACCAGCTGTCCCAGGCTGAGCTGGATGAGTTGGCC[A>G]GTAAGGCACCAGTCTTAACTTATGGCCAACCTAAACAAGCCCCACCTGCGGATTTTATTC-3'
Protein context (NP_060570.2, residues 57-77): LSQAELDELA[Ser67Gly]KAPVLTYGQP

ClinVar aggregate classification (germline): Uncertain significance (1 of 4 stars; one submission).

Conditions:
Absence seizure. Also called: Absence epilepsy. Identifiers: Orphanet 1941, MedGen C0014553.
Myoclonic epilepsy, juvenile, susceptibility to, 1. Also called: Myoclonic Epilepsy, Juvenile, 1; EJM1. Identifiers: MedGen C1850778, MONDO:0020752, OMIM 254770.

Allele frequency attached by ClinVar (database versions not stated): gnomAD 0.00001; gnomAD exomes 0.00001 and below 0.00001; TOPMed 0.00001; ExAC 0.00001.
gnomAD v4.1: 13 of 1,614,052 alleles (0.00081%); highest among the groups gnomAD compares: Non-Finnish European, 0.0011%; no homozygotes.

Submission:

Labcorp Genetics (formerly Invitae), Labcorp
Classification: Uncertain significance for Myoclonic epilepsy, juvenile, susceptibility to, 1; Absence seizure. Last evaluated: 2022-08-10. Review status: criteria provided, single submitter. Criteria: Invitae Variant Classification Sherloc (09022015). Collection method: clinical testing. Allele origin: germline.
Comment: Algorithms developed to predict the effect of sequence changes on RNA splicing suggest that this variant may disrupt the consensus splice site. Algorithms developed to predict the effect of missense changes on protein structure and function (SIFT, PolyPhen-2, Align-GVGD) all suggest that this variant is likely to be tolerated. ClinVar contains an entry for this variant (Variation ID: 641875). This variant has not been reported in the literature in individuals affected with EFHC1-related conditions. This variant is present in population databases (rs766220714, gnomAD 0.0009%). This sequence change replaces serine, which is neutral and polar, with glycine, which is neutral and non-polar, at codon 67 of the EFHC1 protein (p.Ser67Gly). In summary, the available evidence is currently insufficient to determine the role of this variant in disease. Therefore, it has been classified as a Variant of Uncertain Significance.